The following is an entry in ClinVar:

NM_000268.4(NF2):c.23G>C (p.Arg8Pro)

Gene: NF2 (NF2, moesin-ezrin-radixin like (MERLIN) tumor suppressor; plus strand). Cytogenetic location: 22q12.2.
Variant type: single nucleotide variant.
Coding change: c.23G>C on transcript NM_000268.4 (MANE Select); coding-DNA position 23, G replaced by C.
Protein change: p.Arg8Pro; replaces arginine 8 with proline.
Molecular consequence: missense variant. On other transcripts: non-coding transcript variant (1).
Genome position (GRCh38, 1-based): chr22:29,604,021, G>C. VCF-style: chr22-29604021-G-C. GRCh37 (hg19) VCF-style: chr22-30000010-G-C.
Other names: c.23G>C, p.Arg8Pro (NM_181825.3, NM_181828.3, NM_181829.3 and 5 more transcripts); short protein forms R8P.
Identifiers: ClinVar variation 1444710 (VCV001444710.8), dbSNP rs775564806, ClinGen allele CA033605.

ClinVar aggregate classification (germline): Uncertain significance (1 of 4 stars; one submission).

Conditions:
Neurofibromatosis, type 2 (SWNV). Also called: BILATERAL ACOUSTIC NEUROFIBROMATOSIS; SCHWANNOMATOSIS, VESTIBULAR; NF2-Related Schwannomatosis. Identifiers: Orphanet 637, MedGen C0027832, MONDO:0007039, OMIM 101000. Disease mechanism: loss of function.

Allele frequency attached by ClinVar (database versions not stated): ExAC 0.00003.

Submission:

Labcorp Genetics (formerly Invitae), Labcorp
Classification: Uncertain significance for Neurofibromatosis, type 2. Last evaluated: 2024-06-30. Review status: criteria provided, single submitter. Criteria: Invitae Variant Classification Sherloc (09022015). Collection method: clinical testing. Allele origin: germline.
Comment: This sequence change replaces arginine, which is basic and polar, with proline, which is neutral and non-polar, at codon 8 of the NF2 protein (p.Arg8Pro). The frequency data for this variant in the population databases is considered unreliable, as metrics indicate poor data quality at this position in the gnomAD database. This variant has not been reported in the literature in individuals affected with NF2-related conditions. ClinVar contains an entry for this variant (Variation ID: 1444710). An algorithm developed to predict the effect of missense changes on protein structure and function (PolyPhen-2) suggests that this variant is likely to be disruptive. In summary, the available evidence is currently insufficient to determine the role of this variant in disease. Therefore, it has been classified as a Variant of Uncertain Significance.